The following is an entry in ClinVar:

ClinVar aggregate classification (germline): Benign. Review status: criteria provided, multiple submitters, no conflicts (2 of 4 stars). 2 submissions from 2 submitters: Benign (2). Last evaluated 2018-01-13.

Conditions:
Hermansky-Pudlak syndrome 3 (HPS3). Identifiers: Orphanet 231512, Orphanet 79430, MedGen C3888001, MONDO:0013555, OMIM 614072.

Allele frequency attached by ClinVar (database versions not stated): gnomAD exomes 0.10930; gnomAD 0.19009 and 0.19723; 1000 Genomes Project 0.19589; TOPMed 0.20258; 1000 Genomes Project 30x 0.20284.
gnomAD v4.1: 28,768 of 152,492 alleles (19%); highest among the groups gnomAD compares: African/African-American, 42%; 4,303 homozygotes.

Submissions (2):

Illumina Laboratory Services, Illumina
Classification: Benign for Hermansky-Pudlak syndrome 3. Last evaluated: 2018-01-13. Review status: criteria provided, single submitter. Criteria: ICSL Variant Classification Criteria 13 December 2019. Collection method: clinical testing. Allele origin: germline.
Comment: This variant was observed in the ICSL laboratory as part of a predisposition screen in an ostensibly healthy population. It had not been previously curated by ICSL or reported in the Human Gene Mutation Database (HGMD: prior to June 1st, 2018), and was therefore a candidate for classification through an automated scoring system. Utilizing variant allele frequency, disease prevalence and penetrance estimates, and inheritance mode, an automated score was calculated to assess if this variant is too frequent to cause the disease. Based on the score and internal cut-off values, a variant classified as benign is not then subjected to further curation. The score for this variant resulted in a classification of benign for this disease.

Breakthrough Genomics
Classification: Benign. Review status: criteria provided, single submitter. Criteria: ACMG Guidelines, 2015. Collection method: not provided. Allele origin: germline. Inheritance: Autosomal recessive inheritance. Affected: yes.

NM_032383.5(HPS3):c.*723C>T

Genes: CP (ceruloplasmin; minus strand), HPS3 (HPS3 biogenesis of lysosomal organelles complex 2 subunit 1; plus strand). Cytogenetic location: 3q24.
Variant type: single nucleotide variant.
Coding change: c.*723C>T on transcript NM_032383.5 (MANE Select); 723 bases downstream of the stop codon, C replaced by T.
Molecular consequence: 3 prime UTR variant.
Genome position (GRCh38, 1-based): chr3:149,172,945, C>T. VCF-style: chr3-149172945-C-T. GRCh37 (hg19) VCF-style: chr3-148890732-C-T.
Other names: c.*769G>A (NM_000096.4); c.*723C>T (NM_001308258.2).
Identifiers: ClinVar variation 343742 (VCV000343742.7), dbSNP rs1053669, ClinGen allele CA10617647.
Genomic context (GRCh38, chr3:149,172,945, plus strand): 5'-ATTTTTGTTGATGTGTACTCTTGCTCTTTTAGCTAGAGTGTATGTGAAAATAAAGAAATA[C>T]ATCATTGTATTCACAACCATGTGTCTTCATTTATAACTTTTTGTTTAAAAAATTTTTAGT-3'